The following is an entry in ClinVar:

ClinVar aggregate classification (germline): Uncertain significance (1 of 4 stars; one submission).

Conditions:
Hereditary cancer-predisposing syndrome. Also called: Neoplastic Syndromes, Hereditary; Tumor predisposition; Hereditary Cancer Syndrome; Hereditary neoplastic syndrome. Identifiers: Orphanet 140162, MedGen C0027672, MeSH D009386, MONDO:0015356.

Submission:

Ambry Genetics
Classification: Uncertain significance for Hereditary cancer-predisposing syndrome. Last evaluated: 2025-10-02. Review status: criteria provided, single submitter. Criteria: Ambry Variant Classification Scheme 2023. Collection method: clinical testing. Allele origin: germline.
Comment: The c.88+1G>C intronic variant results from a G to C substitution one nucleotide after coding exon 1 of the EGFR gene. This nucleotide position is highly conserved in available vertebrate species. In silico splice site analysis predicts that this alteration will weaken the native splice donor site. Alterations that disrupt the canonical splice site are expected to cause aberrant splicing, resulting in an abnormal protein or a transcript that is subject to nonsense-mediated mRNA decay. This variant is considered to be rare based on population cohorts in the Genome Aggregation Database (gnomAD). Although biallelic loss of function of EGFR are known to cause EGFR-related neonatal inflammatory skin and bowel disease, such associations with EGFR-related lung cancer have not been reported. Based on the supporting evidence, this variant is expected to be causative of EGFR-related neonatal inflammatory skin and bowel disease when present along with a second pathogenic variant on the other allele; however, its clinical significance for EGFR-related lung cancer is unclear.

NM_005228.5(EGFR):c.88+1G>C

Gene: EGFR (epidermal growth factor receptor; plus strand). Cytogenetic location: 7p11.2.
Variant type: single nucleotide variant.
Coding change: c.88+1G>C on transcript NM_005228.5 (MANE Select); the canonical splice donor site of the intron after coding-DNA position 88, G replaced by C.
Molecular consequence: splice donor variant.
Genome position (GRCh38, 1-based): chr7:55,019,366, G>C. VCF-style: chr7-55019366-G-C. GRCh37 (hg19) VCF-style: chr7-55087059-G-C.
Other names: c.88+1G>C (NM_001346899.2, NM_001346941.2, NM_001346898.2 and 4 more transcripts).
Identifiers: ClinVar variation 4638696 (VCV004638696.1).